The following is an entry in ClinVar:

ClinVar aggregate classification (germline): Conflicting classifications of pathogenicity. Review status: criteria provided, conflicting classifications (1 of 4 stars). 3 submissions from 3 submitters: Uncertain significance (2); Likely benign (1). Last evaluated 2025-12-21.

Conditions:
Hereditary breast ovarian cancer syndrome. Also called: Hereditary breast and/or ovarian cancer syndrome; Hereditary breast and ovarian cancer syndrome; Hereditary breast and ovarian cancer; Hereditary breast and ovarian cancer syndrome (HBOC); Breast and ovarian cancer; BRCA1- and BRCA2-Associated Hereditary Breast and Ovarian Cancer. Identifiers: Orphanet 145, MedGen C0677776, MeSH D061325, MONDO:0003582. Disease mechanism: loss of function.
Hereditary cancer-predisposing syndrome. Also called: Tumor predisposition; Hereditary Cancer Syndrome; Neoplastic Syndromes, Hereditary; Hereditary neoplastic syndrome. Identifiers: Orphanet 140162, MedGen C0027672, MeSH D009386, MONDO:0015356.

Submissions (3):

Ambry Genetics
Classification: Uncertain significance for Hereditary cancer-predisposing syndrome. Last evaluated: 2025-12-21. Review status: criteria provided, single submitter. Criteria: Ambry Variant Classification Scheme 2023. Collection method: clinical testing. Allele origin: germline.
Comment: The p.E470K variant (also known as c.1408G>A), located in coding exon 9 of the BRCA2 gene, results from a G to A substitution at nucleotide position 1408. The glutamic acid at codon 470 is replaced by lysine, an amino acid with similar properties. This amino acid position is not well conserved in available vertebrate species. In addition, this alteration is predicted to be tolerated by in silico analysis. Since supporting evidence is limited at this time, the clinical significance of this alteration remains unclear.

University of Washington Department of Laboratory Medicine, University of Washington
Classification: Likely benign for Hereditary cancer-predisposing syndrome. Last evaluated: 2023-03-23. Review status: criteria provided, single submitter. Criteria: Dines et al. (Genet Med. 2020). Collection method: curation. Allele origin: germline.
Comment: Missense variant in a coldspot region where missense variants are very unlikely to be pathogenic (PMID:31911673).

BRCA2 exon 10 coldspot. Reclassification based on statistical prior probability.

Labcorp Genetics (formerly Invitae), Labcorp
Classification: Uncertain significance for Hereditary breast ovarian cancer syndrome. Last evaluated: 2022-09-06. Review status: criteria provided, single submitter. Criteria: Invitae Variant Classification Sherloc (09022015). Collection method: clinical testing. Allele origin: germline.
Comment: This sequence change replaces glutamic acid, which is acidic and polar, with lysine, which is basic and polar, at codon 470 of the BRCA2 protein (p.Glu470Lys). This variant is not present in population databases (gnomAD no frequency). This variant has not been reported in the literature in individuals affected with BRCA2-related conditions. ClinVar contains an entry for this variant (Variation ID: 479377). Advanced modeling of protein sequence and biophysical properties (such as structural, functional, and spatial information, amino acid conservation, physicochemical variation, residue mobility, and thermodynamic stability) performed at Invitae indicates that this missense variant is not expected to disrupt BRCA2 protein function. In summary, the available evidence is currently insufficient to determine the role of this variant in disease. Therefore, it has been classified as a Variant of Uncertain Significance.

NM_000059.4(BRCA2):c.1408G>A (p.Glu470Lys)

Gene: BRCA2 (BRCA2 DNA repair associated; plus strand). Cytogenetic location: 13q13.1.
Variant type: single nucleotide variant.
Coding change: c.1408G>A on transcript NM_000059.4 (MANE Select); coding-DNA position 1408, G replaced by A.
Protein change: p.Glu470Lys; replaces glutamic acid 470 with lysine.
Molecular consequence: missense variant.
Genome position (GRCh38, 1-based): chr13:32,332,886, G>A. VCF-style: chr13-32332886-G-A. GRCh37 (hg19) VCF-style: chr13-32907023-G-A.
Other names: short protein forms E470K.
Identifiers: ClinVar variation 479377 (VCV000479377.17), dbSNP rs1555281898, ClinGen allele CA387764178.